The following is an entry in ClinVar:

ClinVar aggregate classification (germline): Uncertain significance (1 of 4 stars; one submission).

Submission:

Women's Health and Genetics/Laboratory Corporation of America, LabCorp
Classification: Uncertain significance. Last evaluated: 2024-10-17. Review status: criteria provided, single submitter. Criteria: LabCorp Variant Classification Summary - May 2015. Collection method: clinical testing. Allele origin: germline.
Comment: Variant summary: C1S c.363G>C alters a non-conserved nucleotide resulting in a synonymous change. Consensus agreement among computation tools predict no significant impact on normal splicing. However, these predictions have yet to be confirmed by functional studies. The variant was absent in 251172 control chromosomes. The available data on variant occurrences in the general population are insufficient to allow any conclusion about variant significance. To our knowledge, no experimental evidence demonstrating its impact on protein function has been reported. No submitters have cited clinical-significance assessments for this variant to ClinVar. Based on the evidence outlined above, the variant was classified as uncertain significance.

NM_001734.5(C1S):c.363G>C (p.Thr121=)

Gene: C1S (complement C1s; plus strand). Cytogenetic location: 12p13.31.
Variant type: single nucleotide variant.
Coding change: c.363G>C on transcript NM_001734.5 (MANE Select); coding-DNA position 363, G replaced by C.
Protein change: p.Thr121=; no amino-acid change (threonine 121 retained).
Molecular consequence: synonymous variant. On other transcripts: 5 prime UTR variant (1).
Genome position (GRCh38, 1-based): chr12:7,063,039, G>C. VCF-style: chr12-7063039-G-C. GRCh37 (hg19) VCF-style: chr12-7170343-G-C.
Other names: c.-139G>C (NM_001346850.2); c.363G>C, p.Thr121= (NM_201442.4).
Identifiers: ClinVar variation 3385239 (VCV003385239.1).
Genomic context (GRCh38, chr12:7,063,039, plus strand): 5'-CCCATACAACAAACTCCAGGTGATCTTTAAGTCAGACTTTTCCAATGAAGAGCGTTTTAC[G>C]GGGTTTGCTGCATACTATGTTGCCACAGGTAAGGCTCACCCTTCTGCATGTGCCTTATTG-3'
Protein context (NP_001725.1, residues 111-131): KSDFSNEERF[Thr121=]GFAAYYVATD